The following is an entry in ClinVar:

ClinVar aggregate classification (germline): Uncertain significance (1 of 4 stars; one submission).

Submission:

Labcorp Genetics (formerly Invitae), Labcorp
Classification: Uncertain significance. Last evaluated: 2025-10-18. Review status: criteria provided, single submitter. Criteria: Invitae Variant Classification Sherloc (09022015). Collection method: clinical testing. Allele origin: germline.
Comment: This sequence change replaces tryptophan, which is neutral and slightly polar, with glycine, which is neutral and non-polar, at codon 777 of the LRP5 protein (p.Trp777Gly). This variant is not present in population databases (gnomAD no frequency). This variant has not been reported in the literature in individuals affected with LRP5-related conditions. Invitae Evidence Modeling of protein sequence and biophysical properties (such as structural, functional, and spatial information, amino acid conservation, physicochemical variation, residue mobility, and thermodynamic stability) indicates that this missense variant is expected to disrupt LRP5 protein function with a positive predictive value of 95%. In summary, the available evidence is currently insufficient to determine the role of this variant in disease. Therefore, it has been classified as a Variant of Uncertain Significance.

NM_002335.4(LRP5):c.2329T>G (p.Trp777Gly)

Gene: LRP5 (LDL receptor related protein 5; plus strand). Cytogenetic location: 11q13.2.
Variant type: single nucleotide variant.
Coding change: c.2329T>G on transcript NM_002335.4 (MANE Select); coding-DNA position 2329, T replaced by G.
Protein change: p.Trp777Gly; replaces tryptophan 777 with glycine.
Molecular consequence: missense variant.
Genome position (GRCh38, 1-based): chr11:68,411,446, T>G. VCF-style: chr11-68411446-T-G. GRCh37 (hg19) VCF-style: chr11-68178914-T-G.
Other names: c.586T>G, p.Trp196Gly (NM_001291902.2); short protein forms W196G, W777G.
Identifiers: ClinVar variation 4800457 (VCV004800457.1).
Genomic context (GRCh38, chr11:68,411,446, plus strand): 5'-GCGGTGAGAGCAGACTCACTGAGCCTGCCCTTCTCCCTTGTGCCTTCCAGCTACATCTAC[T>G]GGACCGAGTGGGGCGGCAAGCCGAGGATCGTGCGGGCCTTCATGGACGGGACCAACTGCA-3'
Protein context (NP_002326.2, residues 767-787): ALDPTKGYIY[Trp777Gly]TEWGGKPRIV